The following is an entry in ClinVar:

ClinVar aggregate classification (germline): Pathogenic (1 of 4 stars; one submission).

Conditions:
Neurofibromatosis, type 1 (NF1). Also called: VON RECKLINGHAUSEN DISEASE; NEUROFIBROMATOSIS, TYPE I, SOMATIC; Peripheral type neurofibromatosis; Neurofibromatosis, type I. Identifiers: Orphanet 636, MedGen C0027831, MONDO:0018975, OMIM 162200. Disease mechanism: loss of function.

Submission:

Labcorp Genetics (formerly Invitae), Labcorp
Classification: Pathogenic for Neurofibromatosis, type 1. Last evaluated: 2023-08-22. Review status: criteria provided, single submitter. Criteria: Invitae Variant Classification Sherloc (09022015). Collection method: clinical testing. Allele origin: germline.
Comment: For these reasons, this variant has been classified as Pathogenic. This premature translational stop signal has been observed in individual(s) with neurofibromatosis type 1 (PMID: 23656349). This variant is not present in population databases (gnomAD no frequency). This sequence change creates a premature translational stop signal (p.Gln535Serfs*21) in the NF1 gene. It is expected to result in an absent or disrupted protein product. Loss-of-function variants in NF1 are known to be pathogenic (PMID: 10712197, 23913538).

Literature cited by the submitters: PubMed 23656349; PubMed 10712197; PubMed 23913538.

NM_001042492.3(NF1):c.1603del (p.Gln535fs)

Gene: NF1 (neurofibromin 1; plus strand). Cytogenetic location: 17q11.2.
Variant type: Deletion.
Coding change: c.1603del on transcript NM_001042492.3 (MANE Select); coding-DNA position 1603, one base deleted (C; older notation c.1603delC).
Protein change: p.Gln535fs; shifts the reading frame from glutamine 535.
Molecular consequence: frameshift variant.
Genome position (GRCh38, 1-based): chr17:31,219,080, C deleted. VCF-style (leftmost placement, unchanged base first): chr17-31219079-TC-T. GRCh37 (hg19) VCF-style: chr17-29546097-TC-T.
Other names: c.1603delC, p.Gln535Serfs (NM_000267.4); c.1603del, p.Gln535fs (NM_001128147.3); short protein forms Q535fs.
Identifiers: ClinVar variation 2754312 (VCV002754312.3), dbSNP rs2544840786, ClinGen allele CA2697559696.